The following is an entry in ClinVar:

NM_003239.5(TGFB3):c.850C>A (p.Pro284Thr)

Gene: TGFB3 (transforming growth factor beta 3; minus strand). Cytogenetic location: 14q24.3.
Variant type: single nucleotide variant.
Coding change: c.850C>A on transcript NM_003239.5 (MANE Select); coding-DNA position 850, C replaced by A.
Protein change: p.Pro284Thr; replaces proline 284 with threonine.
Molecular consequence: missense variant.
Genome position (GRCh38, 1-based): chr14:75,963,392, G>T on the plus strand (C>A on the coding strand, the complement: TGFB3 is on the minus strand). VCF-style: chr14-75963392-G-T. GRCh37 (hg19) VCF-style: chr14-76429735-G-T.
Other names: c.850C>A, p.Pro284Thr (NM_001329938.2, NM_001329939.2); short protein forms P284T.
Identifiers: ClinVar variation 1708381 (VCV001708381.2), dbSNP rs1018415204, ClinGen allele CA390468388.

ClinVar aggregate classification (germline): Uncertain significance (1 of 4 stars; one submission).

gnomAD v4.1: 1 of 1,614,178 alleles (0.000062%); highest among the groups gnomAD compares: South Asian, 0.0011%; no homozygotes.

Submission:

Centre of Medical Genetics, University Hospital Muenster
Classification: Uncertain significance. Last evaluated: 2022-01-05. Review status: criteria provided, single submitter. Criteria: ACMG Guidelines, 2015. Collection method: clinical testing. Allele origin: unknown. Affected: yes. Observed: 1 variant allele, 1 heterozygote.
Comment: ACMG categories: PM2,PP3,BP1